The following is an entry in ClinVar:

NM_000169.3(GLA):c.868A>T (p.Met290Leu)

Genes: GLA (galactosidase alpha; minus strand), RPL36A-HNRNPH2 (RPL36A-HNRNPH2 readthrough; plus strand). Cytogenetic location: Xq22.1.
Variant type: single nucleotide variant.
Coding change: c.868A>T on transcript NM_000169.3 (MANE Select); coding-DNA position 868, A replaced by T.
Protein change: p.Met290Leu; replaces methionine 290 with leucine.
Molecular consequence: missense variant. On other transcripts: non-coding transcript variant (3), intron variant (2).
Genome position (GRCh38, 1-based): chrX:101,398,501, T>A on the plus strand (A>T on the coding strand, the complement: GLA is on the minus strand). VCF-style: chrX-101398501-T-A. GRCh37 (hg19) VCF-style: chrX-100653489-T-A.
Other names: c.991A>T, p.Met331Leu (NM_001406747.1); c.868A>T, p.Met290Leu (NM_001406748.1); c.300+3044T>A (NM_001199973.2); c.177+6679T>A (NM_001199974.2); short protein forms M290L, M331L.
Identifiers: ClinVar variation 4087560 (VCV004087560.2).

ClinVar aggregate classification (germline): Likely pathogenic (1 of 4 stars; one submission).

Conditions:
Fabry disease. Also called: ALPHA-GALACTOSIDASE A DEFICIENCY; ANDERSON-FABRY DISEASE; CERAMIDE TRIHEXOSIDASE DEFICIENCY; GLA DEFICIENCY; HEREDITARY DYSTOPIC LIPIDOSIS; Angiokeratoma corporis diffusum. Identifiers: Orphanet 324, MedGen C0002986, MONDO:0010526, OMIM 301500, HP:0001071. Disease mechanism: Fabry disease is due to inactivating mutations in the X-linked GLA gene resulting in deficiency of the enzyme Alpha Galactosidase-A., loss of function.

Submission:

Genomenon, Inc
Classification: Likely pathogenic for Fabry disease. Last evaluated: 2026-09-08. Review status: criteria provided, single submitter. Criteria: Genomenon Sequence Variant Interpretation Standards - Updated. Collection method: curation. Allele origin: germline. Affected: no.
Comment: GLA p.Met290Leu (c.868A>T) is a missense variant that changes the amino acid at codon 290 from Methionine to Leucine. This variant has been reported in the published literature (PMID:23935525). Another cDNA change that causes the same protein consequence has been determined to be pathogenic or likely pathogenic. It is absent or not present at a significant frequency in gnomAD. In silico models predict that this variant is possibly or probably damaging. In conclusion, we classify GLA p.Met290Leu (c.868A>T) as a likely pathogenic variant.

Literature cited by the submitters: PubMed 23935525.